The following is an entry in ClinVar:

NM_030624.3(KLHL15):c.202G>A (p.Asp68Asn)

Gene: KLHL15 (kelch like family member 15; minus strand). Cytogenetic location: Xp22.11.
Variant type: single nucleotide variant.
Coding change: c.202G>A on transcript NM_030624.3 (MANE Select); coding-DNA position 202, G replaced by A.
Protein change: p.Asp68Asn; replaces aspartic acid 68 with asparagine.
Molecular consequence: missense variant.
Genome position (GRCh38, 1-based): chrX:24,006,492, C>T on the plus strand (G>A on the coding strand, the complement: KLHL15 is on the minus strand). VCF-style: chrX-24006492-C-T. GRCh37 (hg19) VCF-style: chrX-24024609-C-T.
Other names: short protein forms D68N.
Identifiers: ClinVar variation 4527547 (VCV004527547.1).
Genomic context (GRCh38, chrX:24,006,492, plus strand): 5'-ATTGCAGGACATGGCTGAAACCGGTAGCTGTTAGACCTTTTAAATGAATTTTGTCCTGAT[C>T]TCGTTCCCTCATGTCTGCAGTAAACATAATTCTGAAGTAATCACTCTGGGTGGCCAAGAG-3'
Protein context (NP_085127.2, residues 58-78): IMFTADMRER[Asp68Asn]QDKIHLKGLT

ClinVar aggregate classification (germline): Uncertain significance (1 of 4 stars; one submission).

Submission:

GeneDx
Classification: Uncertain significance. Last evaluated: 2025-04-23. Review status: criteria provided, single submitter. Criteria: GeneDx Variant Classification Process June 2021. Collection method: clinical testing. Allele origin: germline. Affected: yes.
Comment: Not observed at significant frequency in large population cohorts (gnomAD); In silico analysis indicates that this missense variant does not alter protein structure/function; Has not been previously published as pathogenic or benign to our knowledge